The following is an entry in ClinVar:

ClinVar aggregate classification (germline): Uncertain significance. Review status: criteria provided, multiple submitters, no conflicts (2 of 4 stars). 2 submissions from 2 submitters: Uncertain significance (2). Last evaluated 2026-06-02.

Conditions:
Inborn genetic diseases. Identifiers: MedGen C0950123, MeSH D030342.

Submissions (2):

Ambry Genetics
Classification: Uncertain significance for Inborn genetic diseases. Last evaluated: 2026-06-02. Review status: criteria provided, single submitter. Criteria: Ambry Variant Classification Scheme 2023. Collection method: clinical testing. Allele origin: germline.
Comment: The p.Y209C variant (also known as c.626A>G), located in coding exon 5 of the MECOM gene, results from an A to G substitution at nucleotide position 626. The tyrosine at codon 209 is replaced by cysteine, an amino acid with highly dissimilar properties. This amino acid position is conserved. In addition, the in silico prediction for this alteration is inconclusive. Based on the available evidence, the clinical significance of this variant remains unclear.

Labcorp Genetics (formerly Invitae), Labcorp
Classification: Uncertain significance. Last evaluated: 2025-04-16. Review status: criteria provided, single submitter. Criteria: Invitae Variant Classification Sherloc (09022015). Collection method: clinical testing. Allele origin: germline.
Comment: This sequence change replaces tyrosine, which is neutral and polar, with cysteine, which is neutral and slightly polar, at codon 21 of the MECOM protein (p.Tyr21Cys). This variant is not present in population databases (gnomAD no frequency). This variant has not been reported in the literature in individuals affected with MECOM-related conditions. An algorithm developed to predict the effect of missense changes on protein structure and function (PolyPhen-2) suggests that this variant is likely to be disruptive. In summary, the available evidence is currently insufficient to determine the role of this variant in disease. Therefore, it has been classified as a Variant of Uncertain Significance.

NM_004991.4(MECOM):c.626A>G (p.Tyr209Cys)

Gene: MECOM (MDS1 and EVI1 complex locus; minus strand). Cytogenetic location: 3q26.2.
Variant type: single nucleotide variant.
Coding change: c.626A>G on transcript NM_004991.4 (MANE Select); coding-DNA position 626, A replaced by G.
Protein change: p.Tyr209Cys; replaces tyrosine 209 with cysteine.
Molecular consequence: missense variant.
Genome position (GRCh38, 1-based): chr3:169,128,048, T>C on the plus strand (A>G on the coding strand, the complement: MECOM is on the minus strand). VCF-style: chr3-169128048-T-C. GRCh37 (hg19) VCF-style: chr3-168845836-T-C.
Other names: c.62A>G, p.Tyr21Cys (NM_001164000.2, NM_001205194.2, NM_001366467.2 and 9 more transcripts); c.626A>G, p.Tyr209Cys (NM_001366466.2, NM_001366473.2); c.254A>G, p.Tyr85Cys (NM_001105077.4); short protein forms Y21C, Y209C, Y85C.
Identifiers: ClinVar variation 4105936 (VCV004105936.3).